The following is an entry in ClinVar:

ClinVar aggregate classification (germline): Uncertain significance. Review status: criteria provided, multiple submitters, no conflicts (2 of 4 stars). 2 submissions from 2 submitters: Uncertain significance (2). Last evaluated 2025-03-03.

Conditions:
Inborn genetic diseases. Identifiers: MedGen C0950123, MeSH D030342.
3-methylglutaconic aciduria type 1 (MGCA1). Identifiers: Orphanet 67046, MedGen C0342727, MONDO:0009610, OMIM 250950.

Allele frequency attached by ClinVar (database versions not stated): gnomAD 0.00005; TOPMed 0.00007; gnomAD exomes 0.00010; ExAC 0.00004.
gnomAD v4.1: 142 of 1,573,496 alleles (0.009%); highest among the groups gnomAD compares: Non-Finnish European, 0.012%; no homozygotes.

Submissions (3):

Ambry Genetics
Classification: Uncertain significance for Inborn genetic diseases. Last evaluated: 2025-03-03. Review status: criteria provided, single submitter. Criteria: Ambry Variant Classification Scheme 2023. Collection method: clinical testing. Allele origin: germline.

Labcorp Genetics (formerly Invitae), Labcorp
Classification: Uncertain significance for 3-methylglutaconic aciduria type 1. Last evaluated: 2022-07-26. Review status: criteria provided, single submitter. Criteria: Invitae Variant Classification Sherloc (09022015). Collection method: clinical testing. Allele origin: germline.
Comment: This sequence change replaces serine, which is neutral and polar, with arginine, which is basic and polar, at codon 68 of the AUH protein (p.Ser68Arg). This variant is present in population databases (rs745778733, gnomAD 0.006%). This variant has not been reported in the literature in individuals affected with AUH-related conditions. Algorithms developed to predict the effect of missense changes on protein structure and function are either unavailable or do not agree on the potential impact of this missense change (SIFT: "Deleterious"; PolyPhen-2: "Possibly Damaging"; Align-GVGD: "Class C0"). In summary, the available evidence is currently insufficient to determine the role of this variant in disease. Therefore, it has been classified as a Variant of Uncertain Significance.

Dr. Peter K. Rogan Lab, Western University
No classification provided (evidence only). Condition: Lung cancer. Review status: no classification provided. Collection method: in vitro. Allele origin: not applicable. Functional consequence: retained intron. Not counted in ClinVar's aggregate classification.

NM_001698.3(AUH):c.204C>G (p.Ser68Arg)

Genes: AUH (AU RNA binding methylglutaconyl-CoA hydratase; minus strand), LOC130002059 (ATAC-STARR-seq lymphoblastoid silent region 20025; plus strand). Cytogenetic location: 9q22.31.
Variant type: single nucleotide variant.
Coding change: c.204C>G on transcript NM_001698.3 (MANE Select); coding-DNA position 204, C replaced by G.
Protein change: p.Ser68Arg; replaces serine 68 with arginine.
Molecular consequence: missense variant. On other transcripts: 5 prime UTR variant (3).
Genome position (GRCh38, 1-based): chr9:91,361,686, G>C on the plus strand (C>G on the coding strand, the complement: AUH is on the minus strand). VCF-style: chr9-91361686-G-C. GRCh37 (hg19) VCF-style: chr9-94123968-G-C.
Other names: c.204C>G, p.Ser68Arg (NM_001306190.2); c.-194C>G (NM_001351431.2, NM_001351433.2); c.-286C>G (NM_001351432.2); short protein forms S68R.
Identifiers: ClinVar variation 2055032 (VCV002055032.3), dbSNP rs745778733, ClinGen allele CA5119945.
Genomic context (GRCh38, chr9:91,361,686, plus strand): 5'-ACCTCGGTTCTCCTCCTCCAGGTGCCGCACCCGCAGCTCGTCCTCCGTCTTCATCTCAGA[G>C]CTGTAGCCCCTTTTCGGGGCGGGACCCCCGGCCGCAGGTACCCAGCCCTGGGCCCAGATC-3'
Protein context (NP_001689.1, residues 58-78): AGGPAPKRGY[Ser68Arg]SEMKTEDELR